The following is an entry in ClinVar:

ClinVar aggregate classification (germline): Uncertain significance (1 of 4 stars; one submission).

Conditions:
Neurodevelopmental disorder with hypotonia, stereotypic hand movements, and impaired language. Also called: Intellectual disability, autosomal dominant 20. Identifiers: Orphanet 228384, Orphanet 664410, MedGen C3150700, MONDO:0013266, OMIM 613443.

Submission:

Labcorp Genetics (formerly Invitae), Labcorp
Classification: Uncertain significance for Neurodevelopmental disorder with hypotonia, stereotypic hand movements, and impaired language. Last evaluated: 2018-08-20. Review status: criteria provided, single submitter. Criteria: Invitae Variant Classification Sherloc (09022015). Collection method: clinical testing. Allele origin: germline.
Comment: This sequence change creates a premature translational stop signal (p.Thr205Serfs*28) in the MEF2C gene. It is expected to result in an absent or disrupted protein product. This variant is not present in population databases (ExAC no frequency). This variant has not been reported in the literature in individuals with MEF2C-related disease. However, it has been observed in several individuals who were not affected with MEF2C-related disease (Invitae). In summary, the available evidence is currently insufficient to determine the role of this variant in disease. Therefore, it has been classified as a Variant of Uncertain Significance.

NM_002397.5(MEF2C):c.614_626delinsGTCTCCAC (p.Thr205fs)

Gene: MEF2C (myocyte enhancer factor 2C; minus strand). Cytogenetic location: 5q14.3.
Variant type: Indel.
Coding change: c.614_626delinsGTCTCCAC on transcript NM_002397.5 (MANE Select); coding-DNA positions 614 to 626, CGTCTGGTGCAGG replaced by GTCTCCAC.
Protein change: p.Thr205fs; shifts the reading frame from threonine 205.
Molecular consequence: frameshift variant.
Genome position (GRCh38, 1-based): chr5:88,749,081-88,749,093, CCTGCACCAGACG replaced by GTGGAGAC on the plus strand (CGTCTGGTGCAGG replaced by GTCTCCAC on the coding strand, the reverse complement: MEF2C is on the minus strand). VCF-style: chr5-88749081-CCTGCACCAGACG-GTGGAGAC. GRCh37 (hg19) VCF-style: chr5-88044898-CCTGCACCAGACG-GTGGAGAC.
Other names: c.608_620delinsGTCTCCAC, p.Thr203fs (NM_001131005.2, NM_001364343.2, NM_001364352.2); c.668_680delinsGTCTCCAC, p.Thr223fs (NM_001193347.1, NM_001364338.2); c.470_482delinsGTCTCCAC, p.Thr157fs (NM_001193348.1, NM_001193349.3, NM_001364332.2 and 3 more transcripts); c.614_626delinsGTCTCCAC, p.Thr205fs (NM_001193350.2, NM_001308002.3, NM_001363581.2 and 18 more transcripts); c.236_248delinsGTCTCCAC, p.Thr79fs (NM_001364353.2, NM_001364356.2); c.188_200delinsGTCTCCAC, p.Thr63fs (NM_001364357.2); short protein forms T203fs, T205fs, T223fs, T157fs, T63fs, T79fs.
Identifiers: ClinVar variation 487207 (VCV000487207.6), dbSNP rs1554110298, ClinGen allele CA658657458.